The following is an entry in ClinVar:

ClinVar aggregate classification (germline): Pathogenic (1 of 4 stars; one submission).

Conditions:
Charcot-Marie-Tooth disease axonal type 2S. Also called: CHARCOT-MARIE-TOOTH DISEASE, AXONAL, AUTOSOMAL RECESSIVE, TYPE 2S; CHARCOT-MARIE-TOOTH NEUROPATHY, TYPE 2S. Identifiers: Orphanet 443073, MedGen C4015349, MONDO:0014511, OMIM 616155.
Autosomal recessive distal spinal muscular atrophy 1. Also called: HMN VI; NEUROPATHY, DISTAL HEREDITARY MOTOR, AUTOSOMAL RECESSIVE 1; SEVERE INFANTILE AXONAL NEUROPATHY WITH RESPIRATORY FAILURE; SPINAL MUSCULAR ATROPHY, DIAPHRAGMATIC; Spinal muscular atrophy with respiratory distress 1; NEURONOPATHY, SEVERE INFANTILE AXONAL, WITH RESPIRATORY FAILURE. Identifiers: Orphanet 98920, MedGen C1858517, MONDO:0011436, OMIM 604320.

Submission:

Labcorp Genetics (formerly Invitae), Labcorp
Classification: Pathogenic for Autosomal recessive distal spinal muscular atrophy 1; Charcot-Marie-Tooth disease axonal type 2S. Last evaluated: 2022-12-30. Review status: criteria provided, single submitter. Criteria: Invitae Variant Classification Sherloc (09022015). Collection method: clinical testing. Allele origin: germline.
Comment: For these reasons, this variant has been classified as Pathogenic. This variant has not been reported in the literature in individuals affected with IGHMBP2-related conditions. This variant is not present in population databases (gnomAD no frequency). This sequence change creates a premature translational stop signal (p.Gln657Profs*49) in the IGHMBP2 gene. It is expected to result in an absent or disrupted protein product. Loss-of-function variants in IGHMBP2 are known to be pathogenic (PMID: 14681881, 25439726, 25568292).

Literature cited by the submitters: PubMed 14681881; PubMed 25439726; PubMed 25568292.

NM_002180.3(IGHMBP2):c.1969dup (p.Gln657fs)

Gene: IGHMBP2 (immunoglobulin mu DNA binding protein 2; plus strand). Cytogenetic location: 11q13.3.
Variant type: Duplication.
Coding change: c.1969dup on transcript NM_002180.3 (MANE Select); coding-DNA position 1969, one base duplicated (C; older notation c.1969dupC).
Protein change: p.Gln657fs; shifts the reading frame from glutamine 657.
Molecular consequence: frameshift variant.
Genome position (GRCh38, 1-based): chr11:68,936,449, C duplicated; the last of 3 consecutive C bases (chr11:68,936,447-68,936,449); duplicating any one gives the same sequence. VCF-style (leftmost placement, unchanged base first): chr11-68936446-T-TC. GRCh37 (hg19) VCF-style: chr11-68703914-T-TC.
Other names: short protein forms Q657fs.
Identifiers: ClinVar variation 2157555 (VCV002157555.4), dbSNP rs1859531540, ClinGen allele CA2497321227.